The following is an entry in ClinVar:

ClinVar aggregate classification (germline): Pathogenic/Likely pathogenic. Review status: criteria provided, multiple submitters, no conflicts (2 of 4 stars). 2 submissions from 2 submitters: Pathogenic (1); Likely pathogenic (1). Last evaluated 2025-09-04.

Conditions:
Pyridoxine-dependent epilepsy (EPEO4). Also called: PYRIDOXINE DEPENDENCY WITH SEIZURES; Pyridoxine-Dependent Seizures; Pyridoxine-Dependent Epilepsy - ALDH7A1; EPILEPSY, EARLY-ONSET, 4, VITAMIN B6-DEPENDENT. Identifiers: Orphanet 3006, MedGen C1849508, MONDO:0009945, OMIM 266100. Disease mechanism: loss of function.
ALDH7A1-related disorder. Also called: ALDH7A1-related condition.

Submissions (2):

Labcorp Genetics (formerly Invitae), Labcorp
Classification: Pathogenic for Pyridoxine-dependent epilepsy. Last evaluated: 2025-09-04. Review status: criteria provided, single submitter. Criteria: Invitae Variant Classification Sherloc (09022015). Collection method: clinical testing. Allele origin: germline.
Comment: This sequence change creates a premature translational stop signal (p.Thr67Argfs*11) in the ALDH7A1 gene. It is expected to result in an absent or disrupted protein product. Loss-of-function variants in ALDH7A1 are known to be pathogenic (PMID: 16491085, 20554659). This variant is not present in population databases (gnomAD no frequency). This variant has not been reported in the literature in individuals affected with ALDH7A1-related conditions. Algorithms developed to predict the effect of sequence changes on RNA splicing suggest that this variant may disrupt the consensus splice site. For these reasons, this variant has been classified as Pathogenic.

Blueprint Genetics
Classification: Likely pathogenic for ALDH7A1-related disorders. Last evaluated: 2023-08-10. Review status: criteria provided, single submitter. Criteria: ACMG Guidelines, 2015. Collection method: clinical testing. Allele origin: germline. Affected: yes. Observed: 3 variant alleles.

Literature cited by the submitters: PubMed 16491085 (cited by Labcorp Genetics (formerly Invitae), Labcorp); PubMed 20554659 (cited by Labcorp Genetics (formerly Invitae), Labcorp).

NM_001182.5(ALDH7A1):c.200del (p.Thr67fs)

Gene: ALDH7A1 (aldehyde dehydrogenase 7 family member A1; minus strand). Cytogenetic location: 5q23.2.
Variant type: Deletion.
Coding change: c.200del on transcript NM_001182.5 (MANE Select); coding-DNA position 200, one base deleted (C; older notation c.200delC).
Protein change: p.Thr67fs; shifts the reading frame from threonine 67.
Molecular consequence: frameshift variant.
Genome position (GRCh38, 1-based): chr5:126,593,397, G deleted on the plus strand (C on the coding strand, the reverse complement: ALDH7A1 is on the minus strand). VCF-style (leftmost placement, unchanged base first): chr5-126593396-CG-C. GRCh37 (hg19) VCF-style: chr5-125929088-CG-C.
Other names: c.116del, p.Thr39fs (NM_001201377.2); c.200del, p.Thr67fs (NM_001202404.2); short protein forms T39fs, T67fs.
Identifiers: ClinVar variation 4726338 (VCV004726338.2).
Genomic context (GRCh38, chr5:126,593,396, plus strand): 5'-CACACACACTCTTACCTGTCGGACTCTTGCTATTGGCTCGTTGTTAGCAGGGCAATAGGT[CG>C]TAATAACCTTAAAACAAAAGGATGATGATCATGTATAGAAAACGTAATCCCTTTTGAAGT-3'